The following is an entry in ClinVar:

ClinVar aggregate classification (germline): Uncertain significance (1 of 4 stars; one submission).

Conditions:
AKR1D1-related disorder. Also called: AKR1D1-related condition.

gnomAD v4.1: 56 of 1,613,720 alleles (0.0035%); highest among the groups gnomAD compares: Non-Finnish European, 0.0042%; no homozygotes.

Submission:

PreventionGenetics, part of Exact Sciences
Classification: Uncertain significance for AKR1D1-related condition. Last evaluated: 2025-02-18. Review status: criteria provided, single submitter. Criteria: ACMG Guidelines, 2015. Collection method: clinical testing. Allele origin: germline.
Comment: The AKR1D1 c.286G>A variant is predicted to result in the amino acid substitution p.Glu96Lys. To our knowledge, this variant has not been reported in the literature. This variant is reported in 0.0070% of alleles in individuals of European (Non-Finnish) descent in gnomAD. At this time, the clinical significance of this variant is uncertain due to the absence of conclusive functional and genetic evidence.

NM_005989.4(AKR1D1):c.286G>A (p.Glu96Lys)

Gene: AKR1D1 (aldo-keto reductase family 1 member D1; plus strand). Cytogenetic location: 7q33.
Variant type: single nucleotide variant.
Coding change: c.286G>A on transcript NM_005989.4 (MANE Select); coding-DNA position 286, G replaced by A.
Protein change: p.Glu96Lys; replaces glutamic acid 96 with lysine.
Molecular consequence: missense variant.
Genome position (GRCh38, 1-based): chr7:138,091,792, G>A. VCF-style: chr7-138091792-G-A. GRCh37 (hg19) VCF-style: chr7-137776538-G-A.
Other names: c.286G>A, p.Glu96Lys (NM_001190906.2, NM_001190907.2); short protein forms E96K.
Identifiers: ClinVar variation 4980828 (VCV004980828.1).